The following is an entry in ClinVar:

NM_001042492.3(NF1):c.7131del (p.Phe2377fs)

Gene: NF1 (neurofibromin 1; plus strand). Cytogenetic location: 17q11.2.
Variant type: Deletion.
Coding change: c.7131del on transcript NM_001042492.3 (MANE Select); coding-DNA position 7131, one base deleted (T; older notation c.7131delT).
Protein change: p.Phe2377fs; shifts the reading frame from phenylalanine 2377.
Molecular consequence: frameshift variant.
Genome position (GRCh38, 1-based): chr17:31,343,077, T deleted; the last of 4 consecutive T bases (chr17:31,343,074-31,343,077); deleting any one gives the same sequence. VCF-style (leftmost placement, unchanged base first): chr17-31343073-AT-A. GRCh37 (hg19) VCF-style: chr17-29670091-AT-A.
Other names: c.7068delT (NM_000267.3); c.7068delT, p.Phe2356Leufs (NM_000267.4); short protein forms F2377fs, F2356fs.
Identifiers: ClinVar variation 648010 (VCV000648010.4), dbSNP rs1597851351, ClinGen allele CA915949803.
Genomic context (GRCh38, chr17:31,343,073, plus strand): 5'-CAGAGGAAGTATTTATGGCAATCCGGAATCCTCTGGAGTGGCACTGCAAGCAAATGGATC[AT>A]TTTGTTGGACTCAATTTCAACTCTAACTTTAACTTTGCATTGGTTGGACACCTTTTAAAA-3'

ClinVar aggregate classification (germline): Pathogenic (1 of 4 stars; one submission).

Conditions:
Neurofibromatosis, type 1 (NF1). Also called: VON RECKLINGHAUSEN DISEASE; Neurofibromatosis, type I; NEUROFIBROMATOSIS, TYPE I, SOMATIC; Peripheral type neurofibromatosis. Identifiers: Orphanet 636, MedGen C0027831, MONDO:0018975, OMIM 162200. Disease mechanism: loss of function.

Submission:

Labcorp Genetics (formerly Invitae), Labcorp
Classification: Pathogenic for Neurofibromatosis, type 1. Last evaluated: 2018-11-13. Review status: criteria provided, single submitter. Criteria: Invitae Variant Classification Sherloc (09022015). Collection method: clinical testing. Allele origin: germline.
Comment: This sequence change creates a premature translational stop signal (p.Phe2356Leufs*19) in the NF1 gene. It is expected to result in an absent or disrupted protein product. This variant is not present in population databases (ExAC no frequency). This variant has not been reported in the literature in individuals with NF1-related disease. Loss-of-function variants in NF1 are known to be pathogenic (PMID: 10712197, 23913538). For these reasons, this variant has been classified as Pathogenic.

Literature cited by the submitters: PubMed 10712197; PubMed 23913538.